The following is an entry in ClinVar:

NC_000008.10:g.(?_65509199)_(65711144_?)dup

Gene: CYP7B1 (cytochrome P450 family 7 subfamily B member 1; minus strand). Cytogenetic location: 8q12.3.
Variant type: Duplication.
Identifiers: ClinVar variation 1400620 (VCV001400620.4).

ClinVar aggregate classification (germline): Uncertain significance (1 of 4 stars; one submission).

Conditions:
Spastic paraplegia. Identifiers: MedGen C0037772, HP:0001258.

Submission:

Labcorp Genetics (formerly Invitae), Labcorp
Classification: Uncertain significance for Spastic paraplegia. Last evaluated: 2022-02-28. Review status: criteria provided, single submitter. Criteria: Invitae Variant Classification Sherloc (09022015). Collection method: clinical testing. Allele origin: germline.
Comment: A copy number gain of the genomic region encompassing the full coding sequence of the CYP7B1 gene has been identified. The boundaries of this event are unknown as they extend beyond the assayed region for this gene and therefore may encompass additional genes. As the precise location of this event is unknown, it may be in tandem or it may be located elsewhere in the genome. This variant has not been reported in the literature in individuals affected with CYP7B1-related conditions. Experimental studies and prediction algorithms are not available or were not evaluated, and the functional significance of this variant is currently unknown. In summary, the available evidence is currently insufficient to determine the role of this variant in disease. Therefore, it has been classified as a Variant of Uncertain Significance.